The following is an entry in ClinVar:

ClinVar aggregate classification (germline): Uncertain significance (1 of 4 stars; one submission).

Conditions:
Charcot-Marie-Tooth disease recessive intermediate C. Also called: CHARCOT-MARIE-TOOTH NEUROPATHY, RECESSIVE INTERMEDIATE C. Identifiers: Orphanet 369867, MedGen C3809309, MONDO:0014154, OMIM 615376.
Neuronopathy, distal hereditary motor, autosomal recessive 4. Also called: NEUROPATHY, DISTAL HEREDITARY MOTOR, AUTOSOMAL RECESSIVE 4; Autosomal recessive lower motor neuron disease with childhood onset. Identifiers: Orphanet 206580, MedGen C1970211, MONDO:0012608, OMIM 611067.

Allele frequency attached by ClinVar (database versions not stated): gnomAD exomes below 0.00001; gnomAD 0.00001; TOPMed 0.00001.
gnomAD v4.1: 3 of 1,586,322 alleles (0.00019%); highest among the groups gnomAD compares: African/African-American, 0.0027%; no homozygotes.

Submission:

Labcorp Genetics (formerly Invitae), Labcorp
Classification: Uncertain significance for Neuronopathy, distal hereditary motor, autosomal recessive 4; Charcot-Marie-Tooth disease recessive intermediate C. Last evaluated: 2022-07-19. Review status: criteria provided, single submitter. Criteria: Invitae Variant Classification Sherloc (09022015). Collection method: clinical testing. Allele origin: germline.
Comment: This sequence change replaces arginine, which is basic and polar, with histidine, which is basic and polar, at codon 249 of the PLEKHG5 protein (p.Arg249His). This variant is present in population databases (no rsID available, gnomAD 0.01%). This variant has not been reported in the literature in individuals affected with PLEKHG5-related conditions. ClinVar contains an entry for this variant (Variation ID: 1520657). Algorithms developed to predict the effect of missense changes on protein structure and function are either unavailable or do not agree on the potential impact of this missense change (SIFT: "Deleterious"; PolyPhen-2: "Probably Damaging"; Align-GVGD: "Class C0"). In summary, the available evidence is currently insufficient to determine the role of this variant in disease. Therefore, it has been classified as a Variant of Uncertain Significance.

NM_020631.6(PLEKHG5):c.746G>A (p.Arg249His)

Gene: PLEKHG5 (pleckstrin homology and RhoGEF domain containing G5; minus strand). Cytogenetic location: 1p36.31.
Variant type: single nucleotide variant.
Coding change: c.746G>A on transcript NM_020631.6 (MANE Select); coding-DNA position 746, G replaced by A.
Protein change: p.Arg249His; replaces arginine 249 with histidine.
Molecular consequence: missense variant.
Genome position (GRCh38, 1-based): chr1:6,473,300, C>T on the plus strand (G>A on the coding strand, the complement: PLEKHG5 is on the minus strand). VCF-style: chr1-6473300-C-T. GRCh37 (hg19) VCF-style: chr1-6533360-C-T.
Other names: c.857G>A, p.Arg286His (NM_001042663.3, NM_001265592.2); c.746G>A, p.Arg249His (NM_001042664.2, NM_001042665.2, NM_001265594.3 and 1 more transcripts); c.953G>A, p.Arg318His (NM_001265593.2); short protein forms R249H, R318H, R286H.
Identifiers: ClinVar variation 1520657 (VCV001520657.6), dbSNP rs1172862216, ClinGen allele CA338136445.